The following is an entry in ClinVar:

NM_003465.3(CHIT1):c.*534T>G

Gene: CHIT1 (chitinase 1; minus strand). Cytogenetic location: 1q32.1.
Variant type: single nucleotide variant.
Coding change: c.*534T>G on transcript NM_003465.3 (MANE Select); 534 bases downstream of the stop codon, T replaced by G.
Molecular consequence: 3 prime UTR variant. On other transcripts: non-coding transcript variant (2).
Genome position (GRCh38, 1-based): chr1:203,216,355, A>C on the plus strand (T>G on the coding strand, the complement: CHIT1 is on the minus strand). VCF-style: chr1-203216355-A-C. GRCh37 (hg19) VCF-style: chr1-203185483-A-C.
Other names: c.*534T>G (NM_001256125.2).
Identifiers: ClinVar variation 294902 (VCV000294902.5), dbSNP rs73066394, ClinGen allele CA1339515.
Genomic context (GRCh38, chr1:203,216,355, plus strand): 5'-CTGAGTACCAGGGGTCTGAATTCTTAGTGTAATGCTGAGTGGCTGCTCGCAGAGCGCTTA[A>C]ATCAGGGAAAAGTTCTTCTCTGCTGCCATCTAGTGGCATTTTGGGAATAACACGTGCGTG-3'

ClinVar aggregate classification (germline): Benign (1 of 4 stars; one submission).

Conditions:
Chitotriosidase deficiency (CHITD). Identifiers: MedGen C3279902, OMIM 614122, MONDO:0013586.

Allele frequency attached by ClinVar (database versions not stated): ExAC 0.00669; gnomAD 0.06622 and 0.07143; 1000 Genomes Project 0.06669; 1000 Genomes Project 30x 0.07183; TOPMed 0.07533.
gnomAD v4.1: 12,894 of 454,014 alleles (2.8%); highest among the groups gnomAD compares: African/African-American, 22%; 1,293 homozygotes.

Submission:

Illumina Laboratory Services, Illumina
Classification: Benign for Chitotriosidase deficiency. Last evaluated: 2018-01-12. Review status: criteria provided, single submitter. Criteria: ICSL Variant Classification Criteria 13 December 2019. Collection method: clinical testing. Allele origin: germline.
Comment: This variant was observed in the ICSL laboratory as part of a predisposition screen in an ostensibly healthy population. It had not been previously curated by ICSL or reported in the Human Gene Mutation Database (HGMD: prior to June 1st, 2018), and was therefore a candidate for classification through an automated scoring system. Utilizing variant allele frequency, disease prevalence and penetrance estimates, and inheritance mode, an automated score was calculated to assess if this variant is too frequent to cause the disease. Based on the score and internal cut-off values, a variant classified as benign is not then subjected to further curation. The score for this variant resulted in a classification of benign for this disease.